The following is an entry in ClinVar:

ClinVar aggregate classification (germline): Benign/Likely benign. Review status: criteria provided, multiple submitters, no conflicts (2 of 4 stars). 9 submissions from 9 submitters: Benign (4); Likely benign (3). 2 of the submissions do not count toward it. Last evaluated 2026-01-27.

Conditions:
Long QT syndrome (LQTS). Identifiers: MedGen C0023976, MeSH D008133, MONDO:0002442. Disease mechanism: loss of function. Inheritance: Various modes of inheritance.
Cardiovascular phenotype. Identifiers: MedGen CN230736.
Cardiac arrhythmia. Also called: Arrhythmia; Cardiac rhythm disease. Identifiers: MedGen C0003811, MONDO:0007263, HP:0011675.

Allele frequency attached by ClinVar (database versions not stated): gnomAD below 0.00001 and 0.00003; TOPMed below 0.00001; gnomAD exomes 0.00011 and 0.00023; ExAC 0.00069.
gnomAD v4.1: 150 of 1,454,838 alleles (0.01%); highest among the groups gnomAD compares: South Asian, 0.16%; 2 homozygotes.

Submissions (9):

Labcorp Genetics (formerly Invitae), Labcorp
Classification: Benign for Long QT syndrome. Last evaluated: 2026-01-27. Review status: criteria provided, single submitter. Criteria: Invitae Variant Classification Sherloc (09022015). Collection method: clinical testing. Allele origin: germline.

Ambry Genetics
Classification: Benign for Cardiovascular phenotype. Last evaluated: 2025-07-08. Review status: criteria provided, single submitter. Criteria: Ambry Variant Classification Scheme 2023. Collection method: clinical testing. Allele origin: germline.

CeGaT Center for Human Genetics Tuebingen
Classification: Likely benign. Last evaluated: 2024-07-01. Review status: criteria provided, single submitter. Criteria: CeGaT Center For Human Genetics Tuebingen Variant Classification Criteria Version 2. Collection method: clinical testing. Allele origin: germline. Affected: yes. Observed: 1 variant allele.
Comment: KCNH2: BP4, BP7, BS1

Blueprint Genetics
Classification: Likely benign. Last evaluated: 2023-12-19. Review status: criteria provided, single submitter. Criteria: ACMG Guidelines, 2015. Collection method: clinical testing. Allele origin: germline.

All of Us Research Program, National Institutes of Health
Classification: Benign for Long QT syndrome. Last evaluated: 2023-12-13. Review status: criteria provided, single submitter. Criteria: ACMG Guidelines, 2015. Collection method: clinical testing. Allele origin: germline. Inheritance: Autosomal dominant inheritance. Observed: 8 variant alleles, 8 heterozygotes.
Comment: This study involves interpretation of variants in research participants for the purpose of population health screening. Participant phenotype was not available at the time of variant classification. Additional details can be found in publication PMID: 35346344, PMCID: PMC8962531

GeneDx
Classification: Likely benign. Last evaluated: 2020-01-02. Review status: criteria provided, single submitter. Criteria: GeneDx Variant Classification Process June 2021. Collection method: clinical testing. Allele origin: germline. Affected: yes.

Color Diagnostics, LLC DBA Color Health
Classification: Benign for Arrhythmia. Last evaluated: 2018-10-18. Review status: criteria provided, single submitter. Criteria: ACMG Guidelines, 2015. Collection method: clinical testing. Allele origin: germline.

Clinical Genetics, Academic Medical Center
Classification: Likely benign. Review status: no assertion criteria provided. Collection method: clinical testing. Allele origin: germline. Affected: yes. Study: VKGL Data-share Consensus. Not counted in ClinVar's aggregate classification.

Joint Genome Diagnostic Labs from Nijmegen and Maastricht, Radboudumc and MUMC+
Classification: Likely benign. Review status: no assertion criteria provided. Collection method: clinical testing. Allele origin: germline. Affected: yes. Study: VKGL Data-share Consensus. Not counted in ClinVar's aggregate classification.

NM_000238.4(KCNH2):c.300G>T (p.Arg100=)

Gene: KCNH2 (potassium voltage-gated channel subfamily H member 2; minus strand). Cytogenetic location: 7q36.1.
Variant type: single nucleotide variant.
Coding change: c.300G>T on transcript NM_000238.4 (MANE Select); coding-DNA position 300, G replaced by T.
Protein change: p.Arg100=; no amino-acid change (arginine 100 retained).
Molecular consequence: synonymous variant. On other transcripts: non-coding transcript variant (1).
Genome position (GRCh38, 1-based): chr7:150,974,718, C>A on the plus strand (G>T on the coding strand, the complement: KCNH2 is on the minus strand). VCF-style: chr7-150974718-C-A. GRCh37 (hg19) VCF-style: chr7-150671806-C-A.
Other names: c.123G>T, p.Arg41= (NM_001406755.1); c.300G>T, p.Arg100= (NM_172056.3); c.300G>T (NM_000238.2).
Identifiers: ClinVar variation 629744 (VCV000629744.41), dbSNP rs761176105, ClinGen allele CA036266.